The following is an entry in ClinVar:

ClinVar aggregate classification (germline): Benign/Likely benign. Review status: criteria provided, multiple submitters, no conflicts (2 of 4 stars). 7 submissions from 7 submitters: Benign (3); Likely benign (2). 2 of the submissions do not count toward it. Last evaluated 2025-10-21.

Conditions:
Neutropenia, severe congenital, 2, autosomal dominant. Identifiers: Orphanet 486, MedGen C2751288, MONDO:0013139, OMIM 613107.

Submissions (7):

Labcorp Genetics (formerly Invitae), Labcorp
Classification: Benign for Neutropenia, severe congenital, 2, autosomal dominant. Last evaluated: 2025-10-21. Review status: criteria provided, single submitter. Criteria: Invitae Variant Classification Sherloc (09022015). Collection method: clinical testing. Allele origin: germline.

Mayo Clinic Laboratories, Mayo Clinic
Classification: Benign. Last evaluated: 2025-04-01. Review status: criteria provided, single submitter. Criteria: ACMG Guidelines, 2015. Collection method: clinical testing. Allele origin: germline. Observed: 24 variant alleles.
Comment: BS1, BS2, BP4, BP7

Laboratory of Genetics, Children's Clinical University Hospital Latvia
Classification: Likely benign. Last evaluated: 2025-02-16. Review status: criteria provided, single submitter. Criteria: ACMG Guidelines, 2015. Collection method: clinical testing. Allele origin: germline. Affected: yes.

Blueprint Genetics
Classification: Likely benign. Last evaluated: 2024-11-26. Review status: criteria provided, single submitter. Criteria: ACMG Guidelines, 2015. Collection method: clinical testing. Allele origin: germline.

Women's Health and Genetics/Laboratory Corporation of America, LabCorp
Classification: Benign. Last evaluated: 2021-06-09. Review status: criteria provided, single submitter. Criteria: LabCorp Variant Classification Summary - May 2015. Collection method: clinical testing. Allele origin: germline.
Comment: Variant summary: GFI1 c.925-14_925-5del10 alters a nucleotide located close to a canonical splice site and therefore could affect mRNA splicing, leading to a significantly altered protein sequence. 4/4 computational tools predict no significant impact on normal splicing. However, these predictions have yet to be confirmed by functional studies. The variant allele was found at a frequency of 0.015 in 137034 control chromosomes in the gnomAD database v3.1 genomes dataset, including 14 homozygotes, strongly suggesting that the variant is benign. To our knowledge, no occurrence of c.925-14_925-5del10 in individuals affected with Severe Congenital Neutropenia 2, Autosomal Dominant and no experimental evidence demonstrating its impact on protein function have been reported. Two clinical diagnostic laboratories have submitted clinical-significance assessments for this variant to ClinVar after 2014 without evidence for independent evaluation. One laboratory classified the variant as benign, while the other laboratory classified the variant as uncertain significance. Based on the evidence outlined above, the variant was classified as benign.

Diagnostic Laboratory, Department of Genetics, University Medical Center Groningen
Classification: Benign. Review status: no assertion criteria provided. Collection method: clinical testing. Allele origin: germline. Affected: yes. Study: VKGL Data-share Consensus. Not counted in ClinVar's aggregate classification.

Laboratory of Diagnostic Genome Analysis, Leiden University Medical Center (LUMC)
Classification: Likely benign. Review status: no assertion criteria provided. Collection method: clinical testing. Allele origin: germline. Affected: yes. Study: VKGL Data-share Consensus. Not counted in ClinVar's aggregate classification.

NM_005263.5(GFI1):c.925-40CT[13]

Gene: GFI1 (growth factor independent 1 transcriptional repressor; minus strand). Cytogenetic location: 1p22.1.
Variant type: Microsatellite.
Coding change: c.925-40CT[13] on transcript NM_005263.5 (MANE Select); 13 copies in a row of the 2-base unit CT starting at c.925-40; the reference has 18 copies in a row; five copies, 10 bases deleted.
Molecular consequence: intron variant.
Genome position (GRCh38, 1-based): chr1:92,478,758-92,478,767, AGAGAGAGAG deleted on the plus strand (CTCTCTCTCT on the coding strand, the reverse complement: GFI1 is on the minus strand); deleting any 10 consecutive bases within chr1:92,478,758-92,478,794 gives the same sequence; the position shown is the placement nearest the transcript's 3' end. VCF-style (leftmost placement, unchanged base first): chr1-92478757-CAGAGAGAGAG-C. GRCh37 (hg19) VCF-style: chr1-92944314-CAGAGAGAGAG-C.
Other names: p.?; c.925-14_925-5del10 (NM_005263.3); c.925-14_925-5delCTCTCTCTCT (NM_005263.3); c.925-14_925-5del (NM_005263.5); c.925-40CT[13] (NM_001127216.3, NM_001127215.3).
Identifiers: ClinVar variation 298186 (VCV000298186.19), dbSNP rs35896485, ClinGen allele CA10611588.
Genomic context (GRCh38, chr1:92,478,757, plus strand): 5'-CAGTGTGGATGACCTCTTGAAGCTCTTCCCACAGATCTTACAGTCAAAGCTCCGTTCCTG[CAGAGAGAGAG>C]AGAGAGAGAGAGAGAGAGAGAGAGAGATGCAGAACTCCTACTGCAGTCAACTAGACTGCT-3'